The following is an entry in ClinVar:

ClinVar aggregate classification (germline): Uncertain significance (1 of 4 stars; one submission).

Submission:

Ambry Genetics
Classification: Uncertain significance. Last evaluated: 2024-11-21. Review status: criteria provided, single submitter. Criteria: Ambry Variant Classification Scheme 2023. Collection method: clinical testing. Allele origin: germline.
Comment: The p.S464R variant (also known as c.1390A>C), located in coding exon 8 of the RNF43 gene, results from an A to C substitution at nucleotide position 1390. The serine at codon 464 is replaced by arginine, an amino acid with dissimilar properties. This amino acid position is conserved. In addition, this alteration is predicted to be tolerated by in silico analysis. Based on the available evidence, the clinical significance of this variant remains unclear.

NM_017763.6(RNF43):c.1390A>C (p.Ser464Arg)

Gene: RNF43 (ring finger protein 43; minus strand). Cytogenetic location: 17q22.
Variant type: single nucleotide variant.
Coding change: c.1390A>C on transcript NM_017763.6 (MANE Select); coding-DNA position 1390, A replaced by C.
Protein change: p.Ser464Arg; replaces serine 464 with arginine.
Molecular consequence: missense variant.
Genome position (GRCh38, 1-based): chr17:58,358,386, T>G on the plus strand (A>C on the coding strand, the complement: RNF43 is on the minus strand). VCF-style: chr17-58358386-T-G. GRCh37 (hg19) VCF-style: chr17-56435747-T-G.
Other names: c.1390A>C, p.Ser464Arg (NM_001305544.3); c.1009A>C, p.Ser337Arg (NM_001305545.2); short protein forms S337R, S464R.
Identifiers: ClinVar variation 3434502 (VCV003434502.1).